The following is an entry in ClinVar:

ClinVar aggregate classification (germline): Uncertain significance (1 of 4 stars; one submission).

Allele frequency attached by ClinVar (database versions not stated): gnomAD exomes below 0.00001; TOPMed below 0.00001.
gnomAD v4.1: 3 of 1,613,114 alleles (0.00019%); highest among the groups gnomAD compares: Non-Finnish European, 0.00017%; no homozygotes.

Submission:

Labcorp Genetics (formerly Invitae), Labcorp
Classification: Uncertain significance. Last evaluated: 2022-02-28. Review status: criteria provided, single submitter. Criteria: Invitae Variant Classification Sherloc (09022015). Collection method: clinical testing. Allele origin: germline.
Comment: In summary, the available evidence is currently insufficient to determine the role of this variant in disease. Therefore, it has been classified as a Variant of Uncertain Significance. Algorithms developed to predict the effect of missense changes on protein structure and function (SIFT, PolyPhen-2, Align-GVGD) all suggest that this variant is likely to be tolerated. This variant has not been reported in the literature in individuals affected with IARS2-related conditions. This variant is present in population databases (no rsID available, gnomAD no frequency). This sequence change replaces glutamic acid, which is acidic and polar, with aspartic acid, which is acidic and polar, at codon 955 of the IARS2 protein (p.Glu955Asp).

NM_018060.4(IARS2):c.2865G>C (p.Glu955Asp)

Gene: IARS2 (isoleucyl-tRNA synthetase 2, mitochondrial; plus strand). Cytogenetic location: 1q41.
Variant type: single nucleotide variant.
Coding change: c.2865G>C on transcript NM_018060.4 (MANE Select); coding-DNA position 2865, G replaced by C.
Protein change: p.Glu955Asp; replaces glutamic acid 955 with aspartic acid.
Molecular consequence: missense variant.
Genome position (GRCh38, 1-based): chr1:220,145,622, G>C. VCF-style: chr1-220145622-G-C. GRCh37 (hg19) VCF-style: chr1-220318964-G-C.
Other names: short protein forms E955D.
Identifiers: ClinVar variation 1899896 (VCV001899896.5), dbSNP rs1454431493, ClinGen allele CA344618992.